The following is an entry in ClinVar:

NM_000176.3(NR3C1):c.439G>A (p.Val147Met)

Gene: NR3C1 (nuclear receptor subfamily 3 group C member 1; minus strand). Cytogenetic location: 5q31.3.
Variant type: single nucleotide variant.
Coding change: c.439G>A on transcript NM_000176.3 (MANE Select); coding-DNA position 439, G replaced by A.
Protein change: p.Val147Met; replaces valine 147 with methionine.
Molecular consequence: missense variant. On other transcripts: 5 prime UTR variant (3).
Genome position (GRCh38, 1-based): chr5:143,400,401, C>T on the plus strand (G>A on the coding strand, the complement: NR3C1 is on the minus strand). VCF-style: chr5-143400401-C-T. GRCh37 (hg19) VCF-style: chr5-142779966-C-T.
Other names: c.439G>A, p.Val147Met (NM_001018074.1, NM_001018075.1, NM_001018076.2 and 10 more transcripts); c.361G>A, p.Val121Met (NM_001204258.2); c.184G>A, p.Val62Met (NM_001204259.2); c.172G>A, p.Val58Met (NM_001204260.2); c.148G>A, p.Val50Met (NM_001204261.2); c.-507G>A (NM_001204262.2); c.-552G>A (NM_001204263.2); c.-567G>A (NM_001204264.2); short protein forms V147M, V62M, V121M, V50M, V58M.
Identifiers: ClinVar variation 4695966 (VCV004695966.1).

ClinVar aggregate classification (germline): Uncertain significance (1 of 4 stars; one submission).

gnomAD v4.1: 3 of 1,614,092 alleles (0.00019%); highest among the groups gnomAD compares: African/African-American, 0.0027%; no homozygotes.

Submission:

Labcorp Genetics (formerly Invitae), Labcorp
Classification: Uncertain significance. Last evaluated: 2025-09-16. Review status: criteria provided, single submitter. Criteria: Invitae Variant Classification Sherloc (09022015). Collection method: clinical testing. Allele origin: germline.
Comment: This sequence change replaces valine, which is neutral and non-polar, with methionine, which is neutral and non-polar, at codon 147 of the NR3C1 protein (p.Val147Met). This variant is present in population databases (rs768030422, gnomAD 0.007%). This variant has not been reported in the literature in individuals affected with NR3C1-related conditions. An algorithm developed to predict the effect of missense changes on protein structure and function (PolyPhen-2) suggests that this variant is likely to be tolerated. In summary, the available evidence is currently insufficient to determine the role of this variant in disease. Therefore, it has been classified as a Variant of Uncertain Significance.